The following is an entry in ClinVar:

ClinVar aggregate classification (germline): Conflicting classifications of pathogenicity. Review status: criteria provided, conflicting classifications (1 of 4 stars). 2 submissions from 2 submitters: Uncertain significance (1); Likely benign (1). Last evaluated 2024-12-18.

Conditions:
Lynch syndrome 5 (LYNCH5). Also called: Colorectal cancer, hereditary nonpolyposis, type 5; Hereditary non-polyposis colorectal cancer, type 5. Identifiers: Orphanet 144, MedGen C1833477, MONDO:0013710, OMIM 614350. Disease mechanism: loss of function.
Hereditary nonpolyposis colorectal neoplasms. Identifiers: MedGen C0009405, MeSH D003123.

Submissions (2):

Labcorp Genetics (formerly Invitae), Labcorp
Classification: Uncertain significance for Hereditary nonpolyposis colorectal neoplasms. Last evaluated: 2024-12-18. Review status: criteria provided, single submitter. Criteria: Invitae Variant Classification Sherloc (09022015). Collection method: clinical testing. Allele origin: germline.
Comment: This sequence change falls in intron 2 of the MSH6 gene. It does not directly change the encoded amino acid sequence of the MSH6 protein. It affects a nucleotide within the consensus splice site. This variant is not present in population databases (gnomAD no frequency). This variant has not been reported in the literature in individuals affected with MSH6-related conditions. ClinVar contains an entry for this variant (Variation ID: 2035395). Variants that disrupt the consensus splice site are a relatively common cause of aberrant splicing (PMID: 17576681, 9536098). Algorithms developed to predict the effect of sequence changes on RNA splicing suggest that this variant is not likely to affect RNA splicing. In summary, the available evidence is currently insufficient to determine the role of this variant in disease. Therefore, it has been classified as a Variant of Uncertain Significance.

Myriad Genetics, Inc.
Classification: Likely benign for Lynch syndrome 5. Last evaluated: 2024-12-18. Review status: criteria provided, single submitter. Criteria: Myriad Autosomal Dominant, Autosomal Recessive and X-Linked Classification Criteria (2023). Collection method: clinical testing. Allele origin: unknown.
Comment: This variant is considered likely benign. This variant is intronic and is not expected to impact mRNA splicing.

Literature cited by the submitters: PubMed 17576681 (cited by Labcorp Genetics (formerly Invitae), Labcorp); PubMed 9536098 (cited by Labcorp Genetics (formerly Invitae), Labcorp).

NM_000179.3(MSH6):c.457+6A>T

Gene: MSH6 (mutS homolog 6; plus strand). Cytogenetic location: 2p16.3.
Variant type: single nucleotide variant.
Coding change: c.457+6A>T on transcript NM_000179.3 (MANE Select); 6 bases into the intron after coding-DNA position 457, A replaced by T.
Molecular consequence: intron variant. On other transcripts: missense variant (1).
Genome position (GRCh38, 1-based): chr2:47,791,129, A>T. VCF-style: chr2-47791129-A-T. GRCh37 (hg19) VCF-style: chr2-48018268-A-T.
Other names: c.463A>T, p.Ser155Cys (NM_001406813.1); c.-280+6A>T (NM_001281493.2); c.238-7482A>T (NM_001281492.2); c.-446+6A>T (NM_001281494.2); short protein forms S155C.
Identifiers: ClinVar variation 2035395 (VCV002035395.5), dbSNP rs2104113258, ClinGen allele CA2580066912.